The following is an entry in ClinVar:

ClinVar aggregate classification (germline): Uncertain significance (1 of 4 stars; one submission).

Submission:

Labcorp Genetics (formerly Invitae), Labcorp
Classification: Uncertain significance. Last evaluated: 2023-07-17. Review status: criteria provided, single submitter. Criteria: Invitae Variant Classification Sherloc (09022015). Collection method: clinical testing. Allele origin: germline.
Comment: This variant is not present in population databases (gnomAD no frequency). In summary, the available evidence is currently insufficient to determine the role of this variant in disease. Therefore, it has been classified as a Variant of Uncertain Significance. Algorithms developed to predict the effect of sequence changes on RNA splicing suggest that this variant may disrupt the consensus splice site. Algorithms developed to predict the effect of missense changes on protein structure and function output the following: SIFT: "Not Available"; PolyPhen-2: "Benign"; Align-GVGD: "Not Available". The proline amino acid residue is found in multiple mammalian species, which suggests that this missense change does not adversely affect protein function. This variant has not been reported in the literature in individuals affected with IMPG2-related conditions. This sequence change replaces serine, which is neutral and polar, with proline, which is neutral and non-polar, at codon 297 of the IMPG2 protein (p.Ser297Pro).

NM_016247.4(IMPG2):c.889T>C (p.Ser297Pro)

Gene: IMPG2 (interphotoreceptor matrix proteoglycan 2; minus strand). Cytogenetic location: 3q12.3.
Variant type: single nucleotide variant.
Coding change: c.889T>C on transcript NM_016247.4 (MANE Select); coding-DNA position 889, T replaced by C.
Protein change: p.Ser297Pro; replaces serine 297 with proline.
Molecular consequence: missense variant.
Genome position (GRCh38, 1-based): chr3:101,267,530, A>G on the plus strand (T>C on the coding strand, the complement: IMPG2 is on the minus strand). VCF-style: chr3-101267530-A-G. GRCh37 (hg19) VCF-style: chr3-100986374-A-G.
Other names: short protein forms S297P.
Identifiers: ClinVar variation 3001916 (VCV003001916.3), dbSNP rs2508986013, ClinGen allele CA353867350.